The following is an entry in ClinVar:

ClinVar aggregate classification (germline): Uncertain significance (1 of 4 stars; one submission).

Conditions:
Hereditary cancer-predisposing syndrome. Also called: Neoplastic Syndromes, Hereditary; Tumor predisposition; Hereditary Cancer Syndrome; Hereditary neoplastic syndrome. Identifiers: Orphanet 140162, MedGen C0027672, MeSH D009386, MONDO:0015356.

Submission:

Ambry Genetics
Classification: Uncertain significance for Hereditary cancer-predisposing syndrome. Last evaluated: 2022-01-03. Review status: criteria provided, single submitter. Criteria: Ambry Variant Classification Scheme 2023. Collection method: clinical testing. Allele origin: germline.
Comment: The p.P56A variant (also known as c.166C>G), located in coding exon 2 of the SDHB gene, results from a C to G substitution at nucleotide position 166. The proline at codon 56 is replaced by alanine, an amino acid with highly similar properties. This amino acid position is highly conserved in available vertebrate species. In addition, this alteration is predicted to be deleterious by in silico analysis. Since supporting evidence is limited at this time, the clinical significance of this alteration remains unclear.

NM_003000.3(SDHB):c.166C>G (p.Pro56Ala)

Gene: SDHB (succinate dehydrogenase complex iron sulfur subunit B; minus strand). Cytogenetic location: 1p36.13.
Variant type: single nucleotide variant.
Coding change: c.166C>G on transcript NM_003000.3 (MANE Select); coding-DNA position 166, C replaced by G.
Protein change: p.Pro56Ala; replaces proline 56 with alanine.
Molecular consequence: missense variant.
Genome position (GRCh38, 1-based): chr1:17,044,795, G>C on the plus strand (C>G on the coding strand, the complement: SDHB is on the minus strand). VCF-style: chr1-17044795-G-C. GRCh37 (hg19) VCF-style: chr1-17371290-G-C.
Other names: c.166C>G, p.Pro56Ala (NM_001407361.1); short protein forms P56A.
Identifiers: ClinVar variation 1777647 (VCV001777647.2), dbSNP rs2525059578, ClinGen allele CA338227861.